The following is an entry in ClinVar:

NM_006031.6(PCNT):c.7145T>C (p.Met2382Thr)

Gene: PCNT (pericentrin; plus strand). Cytogenetic location: 21q22.3.
Variant type: single nucleotide variant.
Coding change: c.7145T>C on transcript NM_006031.6 (MANE Select); coding-DNA position 7145, T replaced by C.
Protein change: p.Met2382Thr; replaces methionine 2382 with threonine.
Molecular consequence: missense variant.
Genome position (GRCh38, 1-based): chr21:46,422,090, T>C. VCF-style: chr21-46422090-T-C. GRCh37 (hg19) VCF-style: chr21-47842004-T-C.
Other names: c.6791T>C, p.Met2264Thr (NM_001315529.2); short protein forms M2382T, M2264T.
Identifiers: ClinVar variation 2547386 (VCV002547386.3), dbSNP rs911662985, ClinGen allele CA322006664.

ClinVar aggregate classification (germline): Uncertain significance. Review status: criteria provided, multiple submitters, no conflicts (2 of 4 stars). 2 submissions from 2 submitters: Uncertain significance (2). Last evaluated 2024-11-15.

Conditions:
Inborn genetic diseases. Identifiers: MedGen C0950123, MeSH D030342.
PCNT-related disorder. Also called: PCNT-related condition.

Allele frequency attached by ClinVar (database versions not stated): TOPMed below 0.00001; gnomAD 0.00001; gnomAD exomes 0.00001.
gnomAD v4.1: 5 of 1,613,746 alleles (0.00031%); highest among the groups gnomAD compares: African/African-American, 0.0013%; no homozygotes.

Submissions (2):

PreventionGenetics, part of Exact Sciences
Classification: Uncertain significance for PCNT-related condition. Last evaluated: 2024-11-15. Review status: criteria provided, single submitter. Criteria: ACMG Guidelines, 2015. Collection method: clinical testing. Allele origin: germline.
Comment: The PCNT c.7145T>C variant is predicted to result in the amino acid substitution p.Met2382Thr. To our knowledge, this variant has not been reported in the literature. This variant is reported in 0.00088% of alleles in individuals of European (non-Finnish) descent in gnomAD. At this time, the clinical significance of this variant is uncertain due to the absence of conclusive functional and genetic evidence.

Ambry Genetics
Classification: Uncertain significance for Inborn genetic diseases. Last evaluated: 2023-05-17. Review status: criteria provided, single submitter. Criteria: Ambry Variant Classification Scheme 2023. Collection method: clinical testing. Allele origin: germline.